The following is an entry in ClinVar:

NM_015557.3(CHD5):c.1502A>G (p.Lys501Arg)

Gene: CHD5 (chromodomain helicase DNA binding protein 5; minus strand). Cytogenetic location: 1p36.31.
Variant type: single nucleotide variant.
Coding change: c.1502A>G on transcript NM_015557.3 (MANE Select); coding-DNA position 1502, A replaced by G.
Protein change: p.Lys501Arg; replaces lysine 501 with arginine.
Molecular consequence: missense variant.
Genome position (GRCh38, 1-based): chr1:6,146,753, T>C on the plus strand (A>G on the coding strand, the complement: CHD5 is on the minus strand). VCF-style: chr1-6146753-T-C. GRCh37 (hg19) VCF-style: chr1-6206813-T-C.
Other names: short protein forms K501R.
Identifiers: ClinVar variation 2096767 (VCV002096767.4), dbSNP rs756730179, ClinGen allele CA557043.

ClinVar aggregate classification (germline): Uncertain significance (1 of 4 stars; one submission).

Allele frequency attached by ClinVar (database versions not stated): ExAC 0.00001; gnomAD 0.00001; gnomAD exomes 0.00001; TOPMed 0.00001.
gnomAD v4.1: 9 of 1,610,248 alleles (0.00056%); highest among the groups gnomAD compares: Non-Finnish European, 0.00068%; no homozygotes.

Submission:

Labcorp Genetics (formerly Invitae), Labcorp
Classification: Uncertain significance. Last evaluated: 2022-02-11. Review status: criteria provided, single submitter. Criteria: Invitae Variant Classification Sherloc (09022015). Collection method: clinical testing. Allele origin: germline.
Comment: In summary, the available evidence is currently insufficient to determine the role of this variant in disease. Therefore, it has been classified as a Variant of Uncertain Significance. Algorithms developed to predict the effect of sequence changes on RNA splicing suggest that this variant may create or strengthen a splice site. Algorithms developed to predict the effect of missense changes on protein structure and function output the following: SIFT: "Tolerated"; PolyPhen-2: "Benign"; Align-GVGD: "Class C0". The arginine amino acid residue is found in multiple mammalian species, which suggests that this missense change does not adversely affect protein function. This variant has not been reported in the literature in individuals affected with CHD5-related conditions. This variant is present in population databases (rs756730179, gnomAD 0.003%). This sequence change replaces lysine, which is basic and polar, with arginine, which is basic and polar, at codon 501 of the CHD5 protein (p.Lys501Arg).